The following is an entry in ClinVar:

NM_003906.5(MCM3AP):c.3799_3808dup (p.Val1270fs)

Gene: MCM3AP (minichromosome maintenance complex component 3 associated protein; minus strand). Cytogenetic location: 21q22.3.
Variant type: Microsatellite.
Coding change: c.3799_3808dup on transcript NM_003906.5 (MANE Select); coding-DNA positions 3799 to 3808, 10 bases duplicated (CCCTGCTGCG; older notation c.3799_3808dupCCCTGCTGCG).
Protein change: p.Val1270fs; shifts the reading frame from valine 1270.
Molecular consequence: frameshift variant.
Genome position (GRCh38, 1-based): chr21:46,256,913-46,256,922, CGCAGCAGGG duplicated on the plus strand (CCCTGCTGCG on the coding strand, the reverse complement: MCM3AP is on the minus strand); duplicating any 10 consecutive bases within chr21:46,256,913-46,256,932 gives the same sequence; the c. name uses the placement nearest the transcript's 3' end. VCF-style (leftmost placement, unchanged base first): chr21-46256912-A-ACGCAGCAGGG. GRCh37 (hg19) VCF-style: chr21-47676826-A-ACGCAGCAGGG.
Other names: short protein forms V1270fs.
Identifiers: ClinVar variation 817943 (VCV000817943.1), dbSNP rs1218260846, ClinGen allele CA749838935.
Genomic context (GRCh38, chr21:46,256,912, plus strand): 5'-TCTTCAGCAATGGGGCACTCTGCGCTGGGCGCCAGCGCCCTCAGCCGGTCGCTCACGTCC[A>ACGCAGCAGGG]CGCAGCAGGGCGCAGCAGGGAAAGCCCGCATTTGGCGCCTCAGTTTCTTGCGGGCTGTGA-3'

ClinVar aggregate classification (germline): Pathogenic (1 of 4 stars; one submission).

Allele frequency attached by ClinVar (database versions not stated): TOPMed 0.00002.

Submission:

GeneDx
Classification: Pathogenic. Last evaluated: 2018-12-27. Review status: criteria provided, single submitter. Criteria: GeneDx Variant Classification (06012015). Collection method: clinical testing. Allele origin: germline. Affected: yes.
Comment: The c.3799_3808dup10 pathogenic variant in the MCM3AP gene has not been reported previously as a pathogenic variant, nor as a benign variant, to our knowledge. The c.3799_3808dup10 variant causes a frameshift starting with codon Valine 1270, changes this amino acid to an Alanine residue, and creates a premature Stop codon at position 23 of the new reading frame, denoted p.Val1270AlafsX23. This variant is predicted to cause loss of normal protein function either through protein truncation or nonsense-mediated mRNA decay. The c.3799_3808dup10 variant is not observed in large population cohorts (Lek et al., 2016). We interpret c.3799_3808dup10 as a pathogenic variant.